The following is an entry in ClinVar:

ClinVar aggregate classification (germline): Uncertain significance (1 of 4 stars; one submission).

gnomAD v4.1: 2 of 1,613,816 alleles (0.00012%); highest among the groups gnomAD compares: Admixed American, 0.0033%; no homozygotes.

Submission:

Ambry Genetics
Classification: Uncertain significance. Last evaluated: 2022-04-02. Review status: criteria provided, single submitter. Criteria: Ambry Variant Classification Scheme 2023. Collection method: clinical testing. Allele origin: germline.
Comment: The p.S1463R variant (also known as c.4389T>A), located in coding exon 4 of the ALPK2 gene, results from a T to A substitution at nucleotide position 4389. The serine at codon 1463 is replaced by arginine, an amino acid with dissimilar properties. This amino acid position is conserved. In addition, this alteration is predicted to be tolerated by in silico analysis. Since supporting evidence is limited at this time, the clinical significance of this alteration remains unclear.

NM_052947.4(ALPK2):c.4389T>A (p.Ser1463Arg)

Genes: ALPK2 (alpha kinase 2; minus strand), LOC126862764 (BRD4-independent group 4 enhancer GRCh37_chr18:56202574-56203773; plus strand). Cytogenetic location: 18q21.31.
Variant type: single nucleotide variant.
Coding change: c.4389T>A on transcript NM_052947.4 (MANE Select); coding-DNA position 4389, T replaced by A.
Protein change: p.Ser1463Arg; replaces serine 1463 with arginine.
Molecular consequence: missense variant.
Genome position (GRCh38, 1-based): chr18:58,535,798, A>T on the plus strand (T>A on the coding strand, the complement: ALPK2 is on the minus strand). VCF-style: chr18-58535798-A-T. GRCh37 (hg19) VCF-style: chr18-56203030-A-T.
Other names: short protein forms S1463R.
Identifiers: ClinVar variation 1740192 (VCV001740192.2), dbSNP rs1177616095, ClinGen allele CA402562812.